The following is an entry in ClinVar:

ClinVar aggregate classification (germline): Uncertain significance. Review status: criteria provided, multiple submitters, no conflicts (2 of 4 stars). 5 submissions from 5 submitters: Uncertain significance (4). 1 of the submissions does not count toward it. Last evaluated 2026-04-26.

Conditions:
MYO7A-related disorder. Also called: MYO7A-related disorders.
Autosomal recessive nonsyndromic hearing loss 2. Also called: NEUROSENSORY NONSYNDROMIC RECESSIVE DEAFNESS 2; DEAFNESS, AUTOSOMAL RECESSIVE 2. Identifiers: Orphanet 90636, MedGen C1838701, MONDO:0010807, OMIM 600060.

Allele frequency attached by ClinVar (database versions not stated): ExAC 0.00001; gnomAD 0.00005.
gnomAD v4.1: 28 of 1,613,796 alleles (0.0017%); highest among the groups gnomAD compares: Admixed American, 0.022%; no homozygotes.

Submissions (5):

Victorian Clinical Genetics Services, Murdoch Childrens Research Institute
Classification: Uncertain significance for Autosomal recessive nonsyndromic hearing loss 2. Last evaluated: 2026-04-26. Review status: criteria provided, single submitter. Criteria: ACMG Guidelines, 2015. Collection method: clinical testing. Allele origin: germline. Affected: yes.
Comment: This variant is classified as VUS-3A. Evidence in support of pathogenic classification: Variant is present in gnomAD <0.01 (v4: 28 heterozygote(s), 0 homozygote(s)); Another missense variant comparable to the one identified in this case has limited previous evidence for pathogenicity. An alternative change, p.(Thr1496Lys), has been reported in trans with another missense variant in a large Moroccan family with mild and progressive deafness (PMID: 28472130). This variant has been classified as VUS by a clinical laboratory in ClinVar; Missense variant predicted to be damaging by in silico tool(s) or highly conserved with a major amino acid change. Additional information: Variant is predicted to result in a missense amino acid change from Thr to Met; This variant is heterozygous; This gene is associated with both recessive and dominant disease. While the genotype-phenotype correlation is not established, missense variants causing autosomal dominant inheritance are rare and are not localised to a specific protein region (OMIM); Alternative amino acid change(s) at the same position are present in gnomAD (highest allele count: v4: 1 heterozygote(s), 0 homozygote(s)); Previous evidence of pathogenicity for this variant is inconclusive. This variant has been reported in a compound heterozygous individual with deafness, who has two paternally inherited VUS missense variants including this one (PMID: 29178603). This variant has been classified as VUS by a clinical laboratory in ClinVar; No published evidence of segregation with disease has been identified for this variant; No published functional evidence has been identified for this variant; Variant is located in the annotated myosin-X FERM PH domain-like domain (DECIPHER); Loss of function is a known mechanism of disease in this gene and is associated with deafness, autosomal dominant 11 (MIM#601317), deafness, autosomal recessive 2 (MIM#600060) and Usher syndrome, type 1B (MIM#276900). In addition, dominant negative is the suggested mechanism for missense variants in autosomal dominant inheritance (OMIM, PMID: 23383098); Inheritance information for this variant is not currently available in this individual.

GeneDx
Classification: Uncertain significance. Last evaluated: 2025-05-19. Review status: criteria provided, single submitter. Criteria: GeneDx Variant Classification Process June 2021. Collection method: clinical testing. Allele origin: germline. Affected: yes.
Comment: In silico analysis supports that this missense variant has a deleterious effect on protein structure/function; This variant is associated with the following publications: (PMID: 34426522, 29178603)

Labcorp Genetics (formerly Invitae), Labcorp
Classification: Uncertain significance. Last evaluated: 2025-01-19. Review status: criteria provided, single submitter. Criteria: Invitae Variant Classification Sherloc (09022015). Collection method: clinical testing. Allele origin: germline.
Comment: This sequence change replaces threonine, which is neutral and polar, with methionine, which is neutral and non-polar, at codon 1496 of the MYO7A protein (p.Thr1496Met). This variant is present in population databases (rs373651847, gnomAD 0.01%). This missense change has been observed in individual(s) with deafness (PMID: 29178603). ClinVar contains an entry for this variant (Variation ID: 2141800). Invitae Evidence Modeling of protein sequence and biophysical properties (such as structural, functional, and spatial information, amino acid conservation, physicochemical variation, residue mobility, and thermodynamic stability) indicates that this missense variant is not expected to disrupt MYO7A protein function with a negative predictive value of 95%. In summary, the available evidence is currently insufficient to determine the role of this variant in disease. Therefore, it has been classified as a Variant of Uncertain Significance.

Blueprint Genetics
Classification: Uncertain significance. Last evaluated: 2024-06-26. Review status: criteria provided, single submitter. Criteria: ACMG Guidelines, 2015. Collection method: clinical testing. Allele origin: germline.

PreventionGenetics, part of Exact Sciences
Classification: Uncertain significance for MYO7A-related condition. Last evaluated: 2024-02-22. Review status: no assertion criteria provided. Collection method: clinical testing. Allele origin: germline. Not counted in ClinVar's aggregate classification.
Comment: The MYO7A c.4487C>T variant is predicted to result in the amino acid substitution p.Thr1496Met. This variant was reported along with a second MYO7A missense variant a truncating variant in an individual with hearing loss (He et al. 2018. PubMed ID: 29178603). This variant is reported in 0.017% of alleles in individuals of Latino descent in gnomAD. At this time, the clinical significance of this variant is uncertain due to the absence of conclusive functional and genetic evidence.

Literature cited by the submitters: PubMed 23383098 (cited by Victorian Clinical Genetics Services, Murdoch Childrens Research Institute); PubMed 29178603 (cited by Victorian Clinical Genetics Services, Murdoch Childrens Research Institute and Labcorp Genetics (formerly Invitae), Labcorp); PubMed 28472130 (cited by Victorian Clinical Genetics Services, Murdoch Childrens Research Institute).

NM_000260.4(MYO7A):c.4487C>T (p.Thr1496Met)

Gene: MYO7A (myosin VIIA; plus strand). Cytogenetic location: 11q13.5.
Variant type: single nucleotide variant.
Coding change: c.4487C>T on transcript NM_000260.4 (MANE Select); coding-DNA position 4487, C replaced by T.
Protein change: p.Thr1496Met; replaces threonine 1496 with methionine.
Molecular consequence: missense variant.
Genome position (GRCh38, 1-based): chr11:77,198,540, C>T. VCF-style: chr11-77198540-C-T. GRCh37 (hg19) VCF-style: chr11-76909585-C-T.
Other names: c.4487C>T (NM_000260.3); c.4487C>T, p.Thr1496Met (NM_001127180.2); c.4454C>T, p.Thr1485Met (NM_001369365.1); short protein forms T1496M, T1485M.
Identifiers: ClinVar variation 2141800 (VCV002141800.9), dbSNP rs373651847, ClinGen allele CA6198462.